The following is an entry in ClinVar:

ClinVar aggregate classification (germline): Conflicting classifications of pathogenicity. Review status: criteria provided, conflicting classifications (1 of 4 stars). 5 submissions from 5 submitters: Uncertain significance (1); Benign (1); Likely benign (3). Last evaluated 2026-01-21.

Conditions:
Intellectual developmental disorder, X-linked, syndromic, Billuart type. Also called: MENTAL RETARDATION, X-LINKED 60; X-linked intellectual disability-cerebellar hypoplasia syndrome. Identifiers: Orphanet 137831, MedGen C1845366, MONDO:0010337, OMIM 300486.

Allele frequency attached by ClinVar (database versions not stated): gnomAD 0.00119 and 0.00125; gnomAD exomes 0.00130 and 0.00184; TOPMed 0.00139; ESP Exome Variant Server 0.00180; ExAC 0.00192.
gnomAD v4.1: 2,033 of 1,139,718 alleles (0.18%); highest among the groups gnomAD compares: Non-Finnish European, 0.21%; 3 homozygotes.

Submissions (5):

Labcorp Genetics (formerly Invitae), Labcorp
Classification: Benign. Last evaluated: 2026-01-21. Review status: criteria provided, single submitter. Criteria: Invitae Variant Classification Sherloc (09022015). Collection method: clinical testing. Allele origin: germline.

ARUP Laboratories, Molecular Genetics and Genomics, ARUP Laboratories
Classification: Likely benign for Intellectual developmental disorder, X-linked, syndromic, Billuart type. Last evaluated: 2025-03-11. Review status: criteria provided, single submitter. Criteria: ARUP Molecular Germline Variant Investigation Process 2024. Collection method: clinical testing. Allele origin: germline.

Blueprint Genetics
Classification: Likely benign. Last evaluated: 2024-11-28. Review status: criteria provided, single submitter. Criteria: ACMG Guidelines, 2015. Collection method: clinical testing. Allele origin: germline.

GeneDx
Classification: Likely benign. Last evaluated: 2017-10-18. Review status: criteria provided, single submitter. Criteria: GeneDx Variant Classification (06012015). Collection method: clinical testing. Allele origin: germline. Affected: yes.
Comment: This variant is considered likely benign or benign based on one or more of the following criteria: it is a conservative change, it occurs at a poorly conserved position in the protein, it is predicted to be benign by multiple in silico algorithms, and/or has population frequency not consistent with disease.

Genetic Services Laboratory, University of Chicago
Classification: Uncertain significance for Mental retardation, X-linked, with cerebellar hypoplasia and distinctive facial appearance. Last evaluated: 2013-06-12. Review status: criteria provided, single submitter. Criteria: ACMG Guidelines, 2007. Collection method: clinical testing. Allele origin: germline. Inheritance: X-linked inheritance.

NM_002547.3(OPHN1):c.702+11A>C

Gene: OPHN1 (oligophrenin 1; minus strand). Cytogenetic location: Xq12.
Variant type: single nucleotide variant.
Coding change: c.702+11A>C on transcript NM_002547.3 (MANE Select); 11 bases into the intron after coding-DNA position 702, A replaced by C.
Molecular consequence: intron variant.
Genome position (GRCh38, 1-based): chrX:68,212,097, T>G on the plus strand (A>C on the coding strand, the complement: OPHN1 is on the minus strand). VCF-style: chrX-68212097-T-G. GRCh37 (hg19) VCF-style: chrX-67431939-T-G.
Identifiers: ClinVar variation 159478 (VCV000159478.15), dbSNP rs375325266, ClinGen allele CA172916.
Genomic context (GRCh38, chrX:68,212,097, plus strand): 5'-ATCAAGGTCGCTAGGGCTGAAATTCAATCGGAATGGAAAGACCGGTGAGAAAAATCCACA[T>G]GCAAACTCACATTCTGTAAACTGAGTTGGAGCTGTTGTTTGTATGGGAGGAAATCCTGTG-3'